The following is an entry in ClinVar:

ClinVar aggregate classification (germline): other (0 of 4 stars; one submission).

Conditions:
Familial colorectal cancer. Identifiers: MedGen CN280943, MONDO:0023113. Disease mechanism: loss of function.

Allele frequency attached by ClinVar (database versions not stated): gnomAD 0.00001; TOPMed below 0.00001.

Submission:

Systems Biology Platform Zhejiang California International NanoSystems Institute
Classification: other for Familial colorectal cancer. Review status: no assertion criteria provided. Collection method: not provided. Allele origin: unknown.
ClinVar note: Converted during submission from cancer to other.

NM_000038.6(APC):c.-19+2880G>T

Gene: APC (APC regulator of WNT signaling pathway; plus strand). Cytogenetic location: 5q22.2.
Variant type: single nucleotide variant.
Coding change: c.-19+2880G>T on transcript NM_000038.6 (MANE Select); 2880 bases into the intron after 19 bases upstream of the start codon, G replaced by T.
Molecular consequence: intron variant.
Genome position (GRCh38, 1-based): chr5:112,740,805, G>T. VCF-style: chr5-112740805-G-T. GRCh37 (hg19) VCF-style: chr5-112076502-G-T.
Other names: c.-18-14068G>T (NM_001354895.2); c.166-25521G>T (NM_001354897.2, NM_001354902.2, NM_001127511.3); c.-19+2345G>T (NM_001127510.3); c.60+2345G>T (NM_001354898.2, NM_001354904.2); c.-1054+2880G>T (NM_001354906.2); c.-19+2880G>T (NM_001354896.2, NM_001354903.2, NM_001354899.2); c.-43+2880G>T (NM_001354900.2, NM_001354901.2, NM_001354905.2).
Identifiers: ClinVar variation 82340 (VCV000082340.2), dbSNP rs75496952, ClinGen allele CA006435.
Genomic context (GRCh38, chr5:112,740,805, plus strand): 5'-CGAACTCGTGAGCTCAAATGATCCTCCCACCTCAGCCTCCCAAAGTGCTGGGATTTACAG[G>T]TGTGAGCCACCATGAAGTTTTTCCATTTGCATTAATTGCTCTGTAGATTTTACCATTTTT-3'